The following is an entry in ClinVar:

ClinVar aggregate classification (germline): Uncertain significance (1 of 4 stars; one submission).

gnomAD v4.1: 18 of 1,613,202 alleles (0.0011%); highest among the groups gnomAD compares: Admixed American, 0.005%; no homozygotes.

Submission:

Labcorp Genetics (formerly Invitae), Labcorp
Classification: Uncertain significance. Last evaluated: 2022-04-10. Review status: criteria provided, single submitter. Criteria: Invitae Variant Classification Sherloc (09022015). Collection method: clinical testing. Allele origin: germline.
Comment: This variant is present in population databases (rs147236265, gnomAD 0.009%). This sequence change replaces arginine, which is basic and polar, with cysteine, which is neutral and slightly polar, at codon 1175 of the HMCN1 protein (p.Arg1175Cys). This variant has not been reported in the literature in individuals affected with HMCN1-related conditions. Algorithms developed to predict the effect of missense changes on protein structure and function are either unavailable or do not agree on the potential impact of this missense change (SIFT: "Deleterious"; PolyPhen-2: "Probably Damaging"; Align-GVGD: "Class C0"). In summary, the available evidence is currently insufficient to determine the role of this variant in disease. Therefore, it has been classified as a Variant of Uncertain Significance.

NM_031935.3(HMCN1):c.3523C>T (p.Arg1175Cys)

Gene: HMCN1 (hemicentin 1; plus strand). Cytogenetic location: 1q31.1.
Variant type: single nucleotide variant.
Coding change: c.3523C>T on transcript NM_031935.3 (MANE Select); coding-DNA position 3523, C replaced by T.
Protein change: p.Arg1175Cys; replaces arginine 1175 with cysteine.
Molecular consequence: missense variant.
Genome position (GRCh38, 1-based): chr1:185,994,832, C>T. VCF-style: chr1-185994832-C-T. GRCh37 (hg19) VCF-style: chr1-185963964-C-T.
Other names: short protein forms R1175C.
Identifiers: ClinVar variation 2152811 (VCV002152811.4), dbSNP rs147236265, ClinGen allele CA1291758.